The following is an entry in ClinVar:

NM_032856.5(WDR73):c.884G>A (p.Gly295Asp)

Gene: WDR73 (WD repeat domain 73; minus strand). Cytogenetic location: 15q25.2.
Variant type: single nucleotide variant.
Coding change: c.884G>A on transcript NM_032856.5 (MANE Select); coding-DNA position 884, G replaced by A.
Protein change: p.Gly295Asp; replaces glycine 295 with aspartic acid.
Molecular consequence: missense variant. On other transcripts: non-coding transcript variant (4).
Genome position (GRCh38, 1-based): chr15:84,643,723, C>T on the plus strand (G>A on the coding strand, the complement: WDR73 is on the minus strand). VCF-style: chr15-84643723-C-T. GRCh37 (hg19) VCF-style: chr15-85186954-C-T.
Other names: short protein forms G295D.
Identifiers: ClinVar variation 804250 (VCV000804250.4), dbSNP rs1596048227, ClinGen allele CA393351888.

ClinVar aggregate classification (germline): Conflicting classifications of pathogenicity. Review status: criteria provided, conflicting classifications (1 of 4 stars). 2 submissions from 2 submitters: Likely pathogenic (1); Uncertain significance (1). Last evaluated 2023-11-17.

Conditions:
Galloway-Mowat syndrome 1 (GAMOS1). Identifiers: Orphanet 2065, Orphanet 83472, MedGen C4551772, MONDO:0033005, OMIM 251300.

Allele frequency attached by ClinVar (database versions not stated): gnomAD exomes below 0.00001.
gnomAD v4.1: 1 of 1,611,220 alleles (0.000062%); highest among the groups gnomAD compares: South Asian, 0.0011%; no homozygotes.

Submissions (2):

GeneDx
Classification: Uncertain significance. Last evaluated: 2023-11-17. Review status: criteria provided, single submitter. Criteria: GeneDx Variant Classification Process June 2021. Collection method: clinical testing. Allele origin: germline. Affected: yes.
Comment: Not observed at significant frequency in large population cohorts (gnomAD); In silico analysis supports that this missense variant has a deleterious effect on protein structure/function; Has not been previously published as pathogenic or benign to our knowledge

Undiagnosed Diseases Network, NIH
Classification: Likely pathogenic for Galloway-Mowat syndrome 1. Last evaluated: 2019-07-17. Review status: criteria provided, single submitter. Criteria: ACMG Guidelines, 2015. Collection method: clinical testing. Allele origin: inherited. Inheritance: Autosomal recessive inheritance. Affected: yes. Observed: 1 variant allele, 1 homozygote.